The following is an entry in ClinVar:

NM_006514.4(SCN10A):c.1312G>A (p.Asp438Asn)

Gene: SCN10A (sodium voltage-gated channel alpha subunit 10; minus strand). Cytogenetic location: 3p22.2.
Variant type: single nucleotide variant.
Coding change: c.1312G>A on transcript NM_006514.4 (MANE Select); coding-DNA position 1312, G replaced by A.
Protein change: p.Asp438Asn; replaces aspartic acid 438 with asparagine.
Molecular consequence: missense variant.
Genome position (GRCh38, 1-based): chr3:38,755,937, C>T on the plus strand (G>A on the coding strand, the complement: SCN10A is on the minus strand). VCF-style: chr3-38755937-C-T. GRCh37 (hg19) VCF-style: chr3-38797428-C-T.
Other names: c.1312G>A, p.Asp438Asn (NM_001293306.2, NM_001293307.2); short protein forms D438N.
Identifiers: ClinVar variation 1769702 (VCV001769702.2), dbSNP rs2470787250, ClinGen allele CA352169068.

ClinVar aggregate classification (germline): Uncertain significance (1 of 4 stars; one submission).

Conditions:
Cardiovascular phenotype. Identifiers: MedGen CN230736.

gnomAD v4.1: 6 of 1,614,182 alleles (0.00037%); highest among the groups gnomAD compares: Non-Finnish European, 0.00051%; no homozygotes.

Submission:

Ambry Genetics
Classification: Uncertain significance for Cardiovascular phenotype. Last evaluated: 2022-08-29. Review status: criteria provided, single submitter. Criteria: Ambry Variant Classification Scheme 2023. Collection method: clinical testing. Allele origin: germline.
Comment: The p.D438N variant (also known as c.1312G>A), located in coding exon 10 of the SCN10A gene, results from a G to A substitution at nucleotide position 1312. The aspartic acid at codon 438 is replaced by asparagine, an amino acid with highly similar properties. This amino acid position is conserved. In addition, this alteration is predicted to be tolerated by in silico analysis. Since supporting evidence is limited at this time, the clinical significance of this alteration remains unclear.